The following is an entry in ClinVar:

ClinVar aggregate classification (germline): Uncertain significance (1 of 4 stars; one submission).

Conditions:
Bloom syndrome (BLM). Also called: Bloom-Torre-Machacek syndrome. Identifiers: Orphanet 125, MedGen C0005859, MONDO:0008876, OMIM 210900.

Submission:

Labcorp Genetics (formerly Invitae), Labcorp
Classification: Uncertain significance for Bloom syndrome. Last evaluated: 2023-08-28. Review status: criteria provided, single submitter. Criteria: Invitae Variant Classification Sherloc (09022015). Collection method: clinical testing. Allele origin: germline.
Comment: In summary, the available evidence is currently insufficient to determine the role of this variant in disease. Therefore, it has been classified as a Variant of Uncertain Significance. Advanced modeling of protein sequence and biophysical properties (such as structural, functional, and spatial information, amino acid conservation, physicochemical variation, residue mobility, and thermodynamic stability) performed at Invitae indicates that this missense variant is not expected to disrupt BLM protein function. This variant has not been reported in the literature in individuals affected with BLM-related conditions. This variant is not present in population databases (gnomAD no frequency). This sequence change replaces phenylalanine, which is neutral and non-polar, with cysteine, which is neutral and slightly polar, at codon 1087 of the BLM protein (p.Phe1087Cys).

NM_000057.4(BLM):c.3260T>G (p.Phe1087Cys)

Gene: BLM (BLM RecQ like helicase; plus strand). Cytogenetic location: 15q26.1.
Variant type: single nucleotide variant.
Coding change: c.3260T>G on transcript NM_000057.4 (MANE Select); coding-DNA position 3260, T replaced by G.
Protein change: p.Phe1087Cys; replaces phenylalanine 1087 with cysteine.
Molecular consequence: missense variant.
Genome position (GRCh38, 1-based): chr15:90,798,239, T>G. VCF-style: chr15-90798239-T-G. GRCh37 (hg19) VCF-style: chr15-91341469-T-G.
Other names: c.3260T>G, p.Phe1087Cys (NM_001287246.2, NM_001287247.2); c.2135T>G, p.Phe712Cys (NM_001287248.2); short protein forms F1087C, F712C.
Identifiers: ClinVar variation 2853547 (VCV002853547.3), dbSNP rs2505534579, ClinGen allele CA393847205.